The following is an entry in ClinVar:

NM_022454.4(SOX17):c.284A>G (p.Asn95Ser)

Gene: SOX17 (SRY-box transcription factor 17; plus strand). Cytogenetic location: 8q11.23.
Variant type: single nucleotide variant.
Coding change: c.284A>G on transcript NM_022454.4 (MANE Select); coding-DNA position 284, A replaced by G.
Protein change: p.Asn95Ser; replaces asparagine 95 with serine.
Molecular consequence: missense variant.
Genome position (GRCh38, 1-based): chr8:54,458,422, A>G. VCF-style: chr8-54458422-A-G. GRCh37 (hg19) VCF-style: chr8-55370982-A-G.
Other names: short protein forms N95S.
Identifiers: ClinVar variation 1445355 (VCV001445355.8), dbSNP rs2129277878, ClinGen allele CA371024094.

ClinVar aggregate classification (germline): Uncertain significance (1 of 4 stars; one submission).

Submission:

Labcorp Genetics (formerly Invitae), Labcorp
Classification: Uncertain significance. Last evaluated: 2021-05-12. Review status: criteria provided, single submitter. Criteria: Invitae Variant Classification Sherloc (09022015). Collection method: clinical testing. Allele origin: germline.
Comment: In summary, the available evidence is currently insufficient to determine the role of this variant in disease. Therefore, it has been classified as a Variant of Uncertain Significance. Algorithms developed to predict the effect of missense changes on protein structure and function are either unavailable or do not agree on the potential impact of this missense change (SIFT: "Deleterious"; PolyPhen-2: "Benign"; Align-GVGD: "Class C45"). This variant has been observed in individual(s) with pulmonary arterial hypertension (PMID: 30029678, Invitae). This variant is not present in population databases (ExAC no frequency). This sequence change replaces asparagine with serine at codon 95 of the SOX17 protein (p.Asn95Ser). The asparagine residue is highly conserved and there is a small physicochemical difference between asparagine and serine.

Literature cited by the submitters: PubMed 30029678.